The following is an entry in ClinVar:

ClinVar aggregate classification (germline): Uncertain significance. Review status: criteria provided, multiple submitters, no conflicts (2 of 4 stars). 2 submissions from 2 submitters: Uncertain significance (2). Last evaluated 2024-08-11.

Conditions:
Candidiasis, familial, 9 (CANDF9). Identifiers: Orphanet 1334, MedGen C4225324, MONDO:0014642, OMIM 616445.

gnomAD v4.1: 30 of 1,613,818 alleles (0.0019%); highest among the groups gnomAD compares: Non-Finnish European, 0.002%; no homozygotes.

Submissions (2):

Labcorp Genetics (formerly Invitae), Labcorp
Classification: Uncertain significance for Candidiasis, familial, 9. Last evaluated: 2024-08-11. Review status: criteria provided, single submitter. Criteria: Invitae Variant Classification Sherloc (09022015). Collection method: clinical testing. Allele origin: germline.
Comment: This sequence change replaces histidine, which is basic and polar, with arginine, which is basic and polar, at codon 32 of the IL17RC protein (p.His32Arg). This variant is present in population databases (rs758176244, gnomAD 0.01%). This variant has not been reported in the literature in individuals affected with IL17RC-related conditions. An algorithm developed to predict the effect of missense changes on protein structure and function outputs the following: PolyPhen-2: "Benign". The arginine amino acid residue is found in multiple mammalian species, which suggests that this missense change does not adversely affect protein function. In summary, the available evidence is currently insufficient to determine the role of this variant in disease. Therefore, it has been classified as a Variant of Uncertain Significance.

Blueprint Genetics
Classification: Uncertain significance. Last evaluated: 2023-09-27. Review status: criteria provided, single submitter. Criteria: ACMG Guidelines, 2015. Collection method: clinical testing. Allele origin: germline.

NM_153460.4(IL17RC):c.95A>G (p.His32Arg)

Gene: IL17RC (interleukin 17 receptor C; plus strand). Cytogenetic location: 3p25.3.
Variant type: single nucleotide variant.
Coding change: c.95A>G on transcript NM_153460.4 (MANE Select); coding-DNA position 95, A replaced by G.
Protein change: p.His32Arg; replaces histidine 32 with arginine.
Molecular consequence: missense variant. On other transcripts: non-coding transcript variant (1).
Genome position (GRCh38, 1-based): chr3:9,917,410, A>G. VCF-style: chr3-9917410-A-G. GRCh37 (hg19) VCF-style: chr3-9959094-A-G.
Other names: c.95A>G, p.His32Arg (NM_001203263.2, NM_001203264.2, NM_001203265.2 and 6 more transcripts); short protein forms H32R.
Identifiers: ClinVar variation 3680692 (VCV003680692.3).
Genomic context (GRCh38, chr3:9,917,410, plus strand): 5'-TGGGCCGAAGCCCAGTGGTCCTTTCTCTGGAGAGGCTTGTGGGGCCTCAGGACGCTACCC[A>G]CTGCTCTCCGGTGAGTCTGGAACCCTGGGGAGACGAGGAAAGGCTCAGGGTTCAGTTTTT-3'
Protein context (NP_703190.2, residues 22-42): ERLVGPQDAT[His32Arg]CSPGLSCRLW